The following is an entry in ClinVar:

ClinVar aggregate classification (germline): Uncertain significance. Review status: criteria provided, multiple submitters, no conflicts (2 of 4 stars). 2 submissions from 2 submitters: Uncertain significance (2). Last evaluated 2025-10-02.

Conditions:
Inborn genetic diseases. Identifiers: MedGen C0950123, MeSH D030342.

Allele frequency attached by ClinVar (database versions not stated): gnomAD 0.00002; ExAC 0.00005; ESP Exome Variant Server 0.00008; 1000 Genomes Project 30x 0.00016; 1000 Genomes Project 0.00020; gnomAD exomes 0.00004.
gnomAD v4.1: 55 of 1,612,910 alleles (0.0034%); highest among the groups gnomAD compares: East Asian, 0.011%; no homozygotes.

Submissions (2):

Ambry Genetics
Classification: Uncertain significance for Inborn genetic diseases. Last evaluated: 2025-10-02. Review status: criteria provided, single submitter. Criteria: Ambry Variant Classification Scheme 2023. Collection method: clinical testing. Allele origin: germline.

Labcorp Genetics (formerly Invitae), Labcorp
Classification: Uncertain significance. Last evaluated: 2022-03-29. Review status: criteria provided, single submitter. Criteria: Invitae Variant Classification Sherloc (09022015). Collection method: clinical testing. Allele origin: germline.
Comment: This sequence change replaces valine, which is neutral and non-polar, with isoleucine, which is neutral and non-polar, at codon 438 of the SLC9A3 protein (p.Val438Ile). This variant is present in population databases (rs375784344, gnomAD 0.006%). This variant has not been reported in the literature in individuals affected with SLC9A3-related conditions. Algorithms developed to predict the effect of missense changes on protein structure and function are either unavailable or do not agree on the potential impact of this missense change (SIFT: "Not Available"; PolyPhen-2: "Probably Damaging"; Align-GVGD: "Not Available"). In summary, the available evidence is currently insufficient to determine the role of this variant in disease. Therefore, it has been classified as a Variant of Uncertain Significance.

NM_004174.4(SLC9A3):c.1312G>A (p.Val438Ile)

Gene: SLC9A3 (solute carrier family 9 member A3). Cytogenetic location: 5p15.33.
Variant type: single nucleotide variant.
Coding change: c.1312G>A on transcript NM_004174.4 (MANE Select); coding-DNA position 1312, G replaced by A.
Protein change: p.Val438Ile; replaces valine 438 with isoleucine.
Molecular consequence: missense variant.
Genome position (GRCh38, 1-based): chr5:482,592, C>T on the plus strand (G>A on the coding strand, the complement: SLC9A3 is on the minus strand). VCF-style: chr5-482592-C-T. GRCh37 (hg19) VCF-style: chr5-482707-C-T.
Other names: c.1312G>A, p.Val438Ile (NM_001284351.3); c.1312G>A (NM_004174.2); short protein forms V438I.
Identifiers: ClinVar variation 1945756 (VCV001945756.3), dbSNP rs375784344, ClinGen allele CA3176010.
Genomic context (GRCh38, chr5:482,592, plus strand): 5'-CTGGGCTGGGCCTCACCTGGAAGATGACGGTGAAGAACACTACGATGATGGTGGTGCTGA[C>T]GAACAGGTTCTTCTCCTTGACCTTGTCTCCATCCAGAAGCACCACCAGGGCAAAGGCCAC-3'
Protein context (NP_004165.2, residues 428-448): GDKVKEKNLF[Val438Ile]STTIIVVFFT